The following is an entry in ClinVar:

NM_005157.6(ABL1):c.2089C>T (p.Arg697Cys)

Gene: ABL1 (ABL proto-oncogene 1, non-receptor tyrosine kinase; plus strand). Cytogenetic location: 9q34.12.
Variant type: single nucleotide variant.
Coding change: c.2089C>T on transcript NM_005157.6 (MANE Select); coding-DNA position 2089, C replaced by T.
Protein change: p.Arg697Cys; replaces arginine 697 with cysteine.
Molecular consequence: missense variant.
Genome position (GRCh38, 1-based): chr9:130,884,379, C>T. VCF-style: chr9-130884379-C-T. GRCh37 (hg19) VCF-style: chr9-133759766-C-T.
Other names: c.2146C>T, p.Arg716Cys (NM_007313.3); c.2146C>T (NM_007313.2); short protein forms R697C, R716C.
Identifiers: ClinVar variation 1431668 (VCV001431668.7), dbSNP rs769147225, ClinGen allele CA5285620.

ClinVar aggregate classification (germline): Likely benign. Review status: criteria provided, single submitter (1 of 4 stars). 2 submissions from 2 submitters: Likely benign (1). 1 of the submissions does not count toward it. Last evaluated 2025-12-20.

Conditions:
ABL1-related disorder. Also called: ABL1-related condition.

Allele frequency attached by ClinVar (database versions not stated): gnomAD 0.00001; TOPMed 0.00002.
gnomAD v4.1: 41 of 1,611,816 alleles (0.0025%); highest among the groups gnomAD compares: South Asian, 0.0055%; no homozygotes.

Submissions (2):

Labcorp Genetics (formerly Invitae), Labcorp
Classification: Likely benign. Last evaluated: 2025-12-20. Review status: criteria provided, single submitter. Criteria: Invitae Variant Classification Sherloc (09022015). Collection method: clinical testing. Allele origin: germline.

PreventionGenetics, part of Exact Sciences
Classification: Likely benign for ABL1-related condition. Last evaluated: 2024-03-14. Review status: no assertion criteria provided. Collection method: clinical testing. Allele origin: germline. Not counted in ClinVar's aggregate classification.
Comment: This variant is classified as likely benign based on ACMG/AMP sequence variant interpretation guidelines (Richards et al. 2015 PMID: 25741868, with internal and published modifications).